The following is an entry in ClinVar:

ClinVar aggregate classification (germline): Conflicting classifications of pathogenicity. Review status: criteria provided, conflicting classifications (1 of 4 stars). 6 submissions from 6 submitters: Uncertain significance (1); Likely benign (1). 4 of the submissions do not count toward it. Last evaluated 2026-01-17.

Conditions:
Supravalvar aortic stenosis (SVAS). Also called: Supravalvar aortic stenosis, Eisenberg type. Identifiers: Orphanet 3193, MedGen C0003499, MONDO:0008504, OMIM 185500, HP:0004381.

Allele frequency attached by ClinVar (database versions not stated): gnomAD exomes 0.00006 and 0.00009; ExAC 0.00009; gnomAD 0.00009 and 0.00010; TOPMed 0.00012; ESP Exome Variant Server 0.00023.
gnomAD v4.1: 106 of 1,613,978 alleles (0.0066%); highest among the groups gnomAD compares: East Asian, 0.031%; no homozygotes.

Submissions (6):

Labcorp Genetics (formerly Invitae), Labcorp
Classification: Uncertain significance for Supravalvar aortic stenosis. Last evaluated: 2026-01-17. Review status: criteria provided, single submitter. Criteria: Invitae Variant Classification Sherloc (09022015). Collection method: clinical testing. Allele origin: germline.
Comment: This sequence change affects codon 383 of the ELN mRNA. It is a 'silent' change, meaning that it does not change the encoded amino acid sequence of the ELN protein. It affects a nucleotide within the consensus splice site. This variant is present in population databases (rs199621188, gnomAD 0.07%), and has an allele count higher than expected for a pathogenic variant. This variant has not been reported in the literature in individuals affected with ELN-related conditions. ClinVar contains an entry for this variant (Variation ID: 514018). Algorithms developed to predict the effect of sequence changes on RNA splicing suggest that this variant is not likely to affect RNA splicing. In summary, the available evidence is currently insufficient to determine the role of this variant in disease. Therefore, it has been classified as a Variant of Uncertain Significance.

GeneDx
Classification: Likely benign. Last evaluated: 2017-12-08. Review status: criteria provided, single submitter. Criteria: GeneDx Variant Classification (06012015). Collection method: clinical testing. Allele origin: germline. Affected: yes.
Comment: This variant is considered likely benign or benign based on one or more of the following criteria: it is a conservative change, it occurs at a poorly conserved position in the protein, it is predicted to be benign by multiple in silico algorithms, and/or has population frequency not consistent with disease.

Clinical Genetics DNA and cytogenetics Diagnostics Lab, Erasmus MC, Erasmus Medical Center
Classification: Likely benign. Review status: no assertion criteria provided. Collection method: clinical testing. Allele origin: germline. Affected: yes. Study: VKGL Data-share Consensus. Not counted in ClinVar's aggregate classification.

Genome Diagnostics Laboratory, Amsterdam University Medical Center
Classification: Likely benign. Review status: no assertion criteria provided. Collection method: clinical testing. Allele origin: germline. Affected: yes. Study: VKGL Data-share Consensus. Not counted in ClinVar's aggregate classification.

Genome Diagnostics Laboratory, University Medical Center Utrecht
Classification: Likely benign. Review status: no assertion criteria provided. Collection method: clinical testing. Allele origin: germline. Affected: yes. Study: VKGL Data-share Consensus. Not counted in ClinVar's aggregate classification.

Joint Genome Diagnostic Labs from Nijmegen and Maastricht, Radboudumc and MUMC+
Classification: Likely benign. Review status: no assertion criteria provided. Collection method: clinical testing. Allele origin: germline. Affected: yes. Study: VKGL Data-share Consensus. Not counted in ClinVar's aggregate classification.

NM_000501.4(ELN):c.1149C>T (p.Tyr383=)

Gene: ELN (elastin; plus strand). Cytogenetic location: 7q11.23.
Variant type: single nucleotide variant.
Coding change: c.1149C>T on transcript NM_000501.4 (MANE Select); coding-DNA position 1149, C replaced by T.
Protein change: p.Tyr383=; no amino-acid change (tyrosine 383 retained).
Molecular consequence: synonymous variant.
Genome position (GRCh38, 1-based): chr7:74,054,768, C>T. VCF-style: chr7-74054768-C-T. GRCh37 (hg19) VCF-style: chr7-73469098-C-T.
Other names: c.1119C>T, p.Tyr373= (NM_001081752.3, NM_001278917.2); c.1164C>T, p.Tyr388= (NM_001081753.3, NM_001081754.3); c.1149C>T, p.Tyr383= (NM_001081755.3, NM_001278912.2, NM_001278915.2 and 1 more transcripts); c.1041C>T, p.Tyr347= (NM_001278913.2); c.1134C>T, p.Tyr378= (NM_001278914.2); c.1107C>T, p.Tyr369= (NM_001278916.2); c.1017C>T, p.Tyr339= (NM_001278918.2).
Identifiers: ClinVar variation 514018 (VCV000514018.13), dbSNP rs199621188, ClinGen allele CA4292859.